The following is an entry in ClinVar:

ClinVar aggregate classification (germline): Uncertain significance (1 of 4 stars; one submission).

Conditions:
Nephrotic syndrome, type 6 (NPHS6). Identifiers: Orphanet 656, MedGen C3280100, MONDO:0013619, OMIM 614196.

Submission:

Clinical Genomics Laboratory, Washington University in St. Louis
Classification: Uncertain significance for Nephrotic syndrome, type 6. Last evaluated: 2024-07-02. Review status: criteria provided, single submitter. Criteria: ACMG Guidelines, 2015. Collection method: clinical testing. Allele origin: germline.
Comment: A PTPRO c.2605G>A (p.Asp869Asn) variant was identified. This variant, to our knowledge, has not been reported in the medical literature and is only observed on 1/251,116 alleles in the general population (gnomAD v2.1.1), indicating it is not a common variant. Computational predictors suggest that the variant does not impact PRPRO function. Due to limited information and based on ACMG/AMP guidelines for variant interpretation (Richards S et al., PMID: 25741868), the clinical significance of this variant is uncertain at this time.

NM_030667.3(PTPRO):c.2605G>A (p.Asp869Asn)

Gene: PTPRO (protein tyrosine phosphatase receptor type O; plus strand). Cytogenetic location: 12p12.3.
Variant type: single nucleotide variant.
Coding change: c.2605G>A on transcript NM_030667.3 (MANE Select); coding-DNA position 2605, G replaced by A.
Protein change: p.Asp869Asn; replaces aspartic acid 869 with asparagine.
Molecular consequence: missense variant.
Genome position (GRCh38, 1-based): chr12:15,557,501, G>A. VCF-style: chr12-15557501-G-A. GRCh37 (hg19) VCF-style: chr12-15710435-G-A.
Other names: c.2605G>A, p.Asp869Asn (NM_002848.4); c.172G>A, p.Asp58Asn (NM_030668.3, NM_030669.3, NM_030670.3 and 1 more transcripts); short protein forms D58N, D869N.
Identifiers: ClinVar variation 3600403 (VCV003600403.1).